The following is an entry in ClinVar:

NM_012469.4(PRPF6):c.1348C>T (p.Arg450Cys)

Gene: PRPF6 (pre-mRNA processing factor 6; plus strand). Cytogenetic location: 20q13.33.
Variant type: single nucleotide variant.
Coding change: c.1348C>T on transcript NM_012469.4 (MANE Select); coding-DNA position 1348, C replaced by T.
Protein change: p.Arg450Cys; replaces arginine 450 with cysteine.
Molecular consequence: missense variant.
Genome position (GRCh38, 1-based): chr20:64,011,327, C>T. VCF-style: chr20-64011327-C-T. GRCh37 (hg19) VCF-style: chr20-62642680-C-T.
Other names: short protein forms R450C.
Identifiers: ClinVar variation 2827943 (VCV002827943.3), dbSNP rs2517635312, ClinGen allele CA409726348.

ClinVar aggregate classification (germline): Uncertain significance (1 of 4 stars; one submission).

Allele frequency attached by ClinVar (database versions not stated): gnomAD exomes below 0.00001.
gnomAD v4.1: 1 of 1,614,180 alleles (0.000062%); highest among the groups gnomAD compares: Non-Finnish European, 0.000085%; no homozygotes.

Submission:

Labcorp Genetics (formerly Invitae), Labcorp
Classification: Uncertain significance. Last evaluated: 2023-01-12. Review status: criteria provided, single submitter. Criteria: Invitae Variant Classification Sherloc (09022015). Collection method: clinical testing. Allele origin: germline.
Comment: In summary, the available evidence is currently insufficient to determine the role of this variant in disease. Therefore, it has been classified as a Variant of Uncertain Significance. Advanced modeling of protein sequence and biophysical properties (such as structural, functional, and spatial information, amino acid conservation, physicochemical variation, residue mobility, and thermodynamic stability) performed at Invitae indicates that this missense variant is expected to disrupt PRPF6 protein function. This variant has not been reported in the literature in individuals affected with PRPF6-related conditions. This variant is not present in population databases (gnomAD no frequency). This sequence change replaces arginine, which is basic and polar, with cysteine, which is neutral and slightly polar, at codon 450 of the PRPF6 protein (p.Arg450Cys).